The following is an entry in ClinVar:

ClinVar aggregate classification (germline): Uncertain significance (1 of 4 stars; one submission).

Conditions:
Primary open angle glaucoma (POAG). Also called: OPTN-related open angle glaucoma. Identifiers: MedGen C0339573, MONDO:0100553, OMIM 137760.
Glaucoma 1, open angle, E. Identifiers: MedGen C1842026, MONDO:0007665.
Amyotrophic lateral sclerosis type 12 (ALS12). Also called: AMYOTROPHIC LATERAL SCLEROSIS 12 WITH OR WITHOUT FRONTOTEMPORAL DEMENTIA. Identifiers: Orphanet 803, MedGen C3150692, MONDO:0013264, OMIM 613435.

Submission:

Labcorp Genetics (formerly Invitae), Labcorp
Classification: Uncertain significance for Primary open angle glaucoma; Glaucoma 1, open angle, E; Amyotrophic lateral sclerosis type 12. Last evaluated: 2021-10-28. Review status: criteria provided, single submitter. Criteria: Invitae Variant Classification Sherloc (09022015). Collection method: clinical testing. Allele origin: germline.
Comment: This sequence change replaces methionine, which is neutral and non-polar, with arginine, which is basic and polar, at codon 447 of the OPTN protein (p.Met447Arg). This variant is not present in population databases (gnomAD no frequency). This missense change has been observed in individual(s) with amyotrophic lateral sclerosis (PMID: 25588603). Algorithms developed to predict the effect of missense changes on protein structure and function (SIFT, PolyPhen-2, Align-GVGD) all suggest that this variant is likely to be disruptive. In summary, the available evidence is currently insufficient to determine the role of this variant in disease. Therefore, it has been classified as a Variant of Uncertain Significance.

Literature cited by the submitters: PubMed 25588603.

NM_001008212.2(OPTN):c.1340T>G (p.Met447Arg)

Gene: OPTN (optineurin; plus strand). Cytogenetic location: 10p13.
Variant type: single nucleotide variant.
Coding change: c.1340T>G on transcript NM_001008212.2 (MANE Select); coding-DNA position 1340, T replaced by G.
Protein change: p.Met447Arg; replaces methionine 447 with arginine.
Molecular consequence: missense variant.
Genome position (GRCh38, 1-based): chr10:13,127,842, T>G. VCF-style: chr10-13127842-T-G. GRCh37 (hg19) VCF-style: chr10-13169842-T-G.
Other names: c.1340T>G, p.Met447Arg (NM_001008211.1, NM_001008213.1, NM_021980.4); short protein forms M447R.
Identifiers: ClinVar variation 1368275 (VCV001368275.6), dbSNP rs1045159479, ClinGen allele CA203268586.
Genomic context (GRCh38, chr10:13,127,842, plus strand): 5'-GTGAAAAACTGGAACTGGCAGAGAAGGCTCTGGCTTCCAAACAGCTGCAAATGGATGAAA[T>G]GAAGCAAACCATTGCCAAGCAGGAAGAGGACCTGGAAACCATGACCATCCTCAGGGCTCA-3'
Protein context (NP_001008213.1, residues 437-457): LASKQLQMDE[Met447Arg]KQTIAKQEED